The following is an entry in ClinVar:

NM_206933.4(USH2A):c.6152C>T (p.Thr2051Ile)

Gene: USH2A (usherin; minus strand). Cytogenetic location: 1q41.
Variant type: single nucleotide variant.
Coding change: c.6152C>T on transcript NM_206933.4 (MANE Select); coding-DNA position 6152, C replaced by T.
Protein change: p.Thr2051Ile; replaces threonine 2051 with isoleucine.
Molecular consequence: missense variant.
Genome position (GRCh38, 1-based): chr1:216,048,545, G>A on the plus strand (C>T on the coding strand, the complement: USH2A is on the minus strand). VCF-style: chr1-216048545-G-A. GRCh37 (hg19) VCF-style: chr1-216221887-G-A.
Other names: short protein forms T2051I.
Identifiers: ClinVar variation 1971093 (VCV001971093.2), dbSNP rs2527725483, ClinGen allele CA344859404.

ClinVar aggregate classification (germline): Uncertain significance (1 of 4 stars; one submission).

Submission:

Labcorp Genetics (formerly Invitae), Labcorp
Classification: Uncertain significance. Last evaluated: 2022-06-08. Review status: criteria provided, single submitter. Criteria: Invitae Variant Classification Sherloc (09022015). Collection method: clinical testing. Allele origin: germline.
Comment: This sequence change replaces threonine, which is neutral and polar, with isoleucine, which is neutral and non-polar, at codon 2051 of the USH2A protein (p.Thr2051Ile). This variant is not present in population databases (gnomAD no frequency). This variant has not been reported in the literature in individuals affected with USH2A-related conditions. Algorithms developed to predict the effect of missense changes on protein structure and function (SIFT, PolyPhen-2, Align-GVGD) all suggest that this variant is likely to be disruptive. In summary, the available evidence is currently insufficient to determine the role of this variant in disease. Therefore, it has been classified as a Variant of Uncertain Significance.